The following is an entry in ClinVar:

NM_000202.8(IDS):c.709dup

Genes: IDS (iduronate 2-sulfatase; minus strand), LOC106050102 (IDS recombination region; plus strand). Cytogenetic location: Xq28.
Variant type: Duplication.
Coding change: c.709dup on transcript NM_000202.8 (MANE Select); coding-DNA position 709, one base duplicated (G; older notation c.709dupG).
Molecular consequence: splice acceptor variant.
Genome position (GRCh38, 1-based): chrX:149,496,516, C duplicated on the plus strand (G on the coding strand, the reverse complement: IDS is on the minus strand); the first of 2 consecutive C bases (chrX:149,496,516-149,496,517); duplicating either gives the same sequence. VCF-style (leftmost placement, unchanged base first): chrX-149496515-T-TC. GRCh37 (hg19) VCF-style: chrX-148578046-T-TC.
Identifiers: ClinVar variation 3255816 (VCV003255816.2).

ClinVar aggregate classification (germline): Pathogenic (1 of 4 stars; one submission).

Conditions:
Mucopolysaccharidosis, MPS-II (MPS2). Also called: Hunter Syndrome; IDURONATE 2-SULFATASE DEFICIENCY; Mucopolysaccharidosis Type II; Mucopolysaccharidosis type 2; Attenuated MPS (subtype; formerly known as mild MPS II); Severe MPS II. Identifiers: Orphanet 580, Orphanet 79388, MedGen C0026705, MONDO:0010674, OMIM 309900.

Submission:

Laboratory of Diagnosis and Therapy of Lysosomal Disorders, University of Padova
Classification: Pathogenic for Mucopolysaccharidosis, MPS-II. Last evaluated: 2024-06-07. Review status: criteria provided, single submitter. Criteria: ACMG Guidelines, 2015. Collection method: literature only. Allele origin: germline. Affected: yes. Observed: 1 variant allele.
Comment: Null variant (PVS1_VeryStrong), Absent from controls (or at low frequency) in gnomAD database (PM2_Moderate), Patient’s phenotype or family history highly specific for the disease (PP4_Strong)

Classification method: ACMG Guidelines [PMID:25741868] with modifications

Literature cited by the submitters: PubMed 9875019.